The following is an entry in ClinVar:

ClinVar aggregate classification (germline): Uncertain significance (1 of 4 stars; one submission).

Conditions:
Fanconi anemia (FA). Also called: Fanconi's anemia. Identifiers: Orphanet 84, MedGen C0015625, MeSH D005199, MONDO:0019391.

Submission:

Labcorp Genetics (formerly Invitae), Labcorp
Classification: Uncertain significance for Fanconi anemia. Last evaluated: 2022-07-29. Review status: criteria provided, single submitter. Criteria: Invitae Variant Classification Sherloc (09022015). Collection method: clinical testing. Allele origin: germline.
Comment: This variant has not been reported in the literature in individuals affected with SLX4-related conditions. Algorithms developed to predict the effect of missense changes on protein structure and function output the following: SIFT: "Deleterious"; PolyPhen-2: "Benign"; Align-GVGD: "Class C0". The proline amino acid residue is found in multiple mammalian species, which suggests that this missense change does not adversely affect protein function. In summary, the available evidence is currently insufficient to determine the role of this variant in disease. Therefore, it has been classified as a Variant of Uncertain Significance. This variant is not present in population databases (gnomAD no frequency). This sequence change replaces leucine, which is neutral and non-polar, with proline, which is neutral and non-polar, at codon 441 of the SLX4 protein (p.Leu441Pro).

NM_032444.4(SLX4):c.1322T>C (p.Leu441Pro)

Gene: SLX4 (SLX4 structure-specific endonuclease subunit; minus strand). Cytogenetic location: 16p13.3.
Variant type: single nucleotide variant.
Coding change: c.1322T>C on transcript NM_032444.4 (MANE Select); coding-DNA position 1322, T replaced by C.
Protein change: p.Leu441Pro; replaces leucine 441 with proline.
Molecular consequence: missense variant.
Genome position (GRCh38, 1-based): chr16:3,597,841, A>G on the plus strand (T>C on the coding strand, the complement: SLX4 is on the minus strand). VCF-style: chr16-3597841-A-G. GRCh37 (hg19) VCF-style: chr16-3647842-A-G.
Other names: short protein forms L441P.
Identifiers: ClinVar variation 2149186 (VCV002149186.4), dbSNP rs2040681820, ClinGen allele CA394529367.
Genomic context (GRCh38, chr16:3,597,841, plus strand): 5'-TTCTGATCACACAAACCTGCTTCTGGTCTTATCCTCTCAGAAAAGGCACTTTCCAGCCTG[A>G]GCGCTGGTACAGCCGCACCCGGCTCCATCTCCGACCGGGACAGAGCCATGGCCACCAGCA-3'
Protein context (NP_115820.2, residues 431-451): EMEPGAAVPA[Leu441Pro]RLESAFSERI